The following is an entry in ClinVar:

NM_001031689.3(PLAA):c.714C>T (p.Ser238=)

Gene: PLAA (phospholipase A2 activating protein; minus strand). Cytogenetic location: 9p21.2.
Variant type: single nucleotide variant.
Coding change: c.714C>T on transcript NM_001031689.3 (MANE Select); coding-DNA position 714, C replaced by T.
Protein change: p.Ser238=; no amino-acid change (serine 238 retained).
Molecular consequence: synonymous variant.
Genome position (GRCh38, 1-based): chr9:26,926,412, G>A on the plus strand (C>T on the coding strand, the complement: PLAA is on the minus strand). VCF-style: chr9-26926412-G-A. GRCh37 (hg19) VCF-style: chr9-26926410-G-A.
Other names: c.714C>T, p.Ser238= (NM_001321546.2).
Identifiers: ClinVar variation 1662042 (VCV001662042.33), dbSNP rs140362355, ClinGen allele CA5014576.

ClinVar aggregate classification (germline): Benign/Likely benign. Review status: criteria provided, multiple submitters, no conflicts (2 of 4 stars). 3 submissions from 3 submitters: Benign (1); Likely benign (2). Last evaluated 2025-09-20.

Allele frequency attached by ClinVar (database versions not stated): TOPMed 0.00009; ESP Exome Variant Server 0.00015; 1000 Genomes Project 30x 0.00031; gnomAD 0.00038 and 0.00039; 1000 Genomes Project 0.00040; ExAC 0.00049; gnomAD exomes 0.00065.
gnomAD v4.1: 440 of 1,604,350 alleles (0.027%); highest among the groups gnomAD compares: South Asian, 0.013%; 5 homozygotes.

Submissions (3):

Labcorp Genetics (formerly Invitae), Labcorp
Classification: Benign. Last evaluated: 2025-09-20. Review status: criteria provided, single submitter. Criteria: Invitae Variant Classification Sherloc (09022015). Collection method: clinical testing. Allele origin: germline.

Blueprint Genetics
Classification: Likely benign. Last evaluated: 2024-10-09. Review status: criteria provided, single submitter. Criteria: ACMG Guidelines, 2015. Collection method: clinical testing. Allele origin: germline.

CeGaT Center for Human Genetics Tuebingen
Classification: Likely benign. Last evaluated: 2022-06-01. Review status: criteria provided, single submitter. Criteria: CeGaT Center For Human Genetics Tuebingen Variant Classification Criteria Version 2. Collection method: clinical testing. Allele origin: germline. Affected: yes. Observed: 1 variant allele.
Comment: PLAA: BP4, BP7